The following is an entry in ClinVar:

ClinVar aggregate classification (germline): Uncertain significance. Review status: criteria provided, multiple submitters, no conflicts (2 of 4 stars). 4 submissions from 4 submitters: Uncertain significance (4). Last evaluated 2026-02-20.

Conditions:
Cardiovascular phenotype. Identifiers: MedGen CN230736.
SCN10A-related disorder. Also called: SCN10A-related condition.
Brugada syndrome. Also called: Sudden unexpected nocturnal death syndrome; Sudden unexplained nocturnal death syndrome; Sudden Unexplained Death Syndrome; Sudden Unexplained Nocturnal Death Syndrome (SUNDS). Identifiers: Orphanet 130, MedGen C1142166, MONDO:0015263.

Allele frequency attached by ClinVar (database versions not stated): 1000 Genomes Project 30x 0.00016; 1000 Genomes Project 0.00020; ExAC 0.00001; gnomAD exomes 0.00002 and 0.00003; TOPMed 0.00003; gnomAD 0.00005.
gnomAD v4.1: 59 of 1,613,762 alleles (0.0037%); highest among the groups gnomAD compares: Admixed American, 0.005%; no homozygotes.

Submissions (4):

PreventionGenetics, part of Exact Sciences
Classification: Uncertain significance for SCN10A-related condition. Last evaluated: 2026-02-20. Review status: criteria provided, single submitter. Criteria: ACMG Guidelines, 2015. Collection method: clinical testing. Allele origin: germline.
Comment: The SCN10A c.14T>C variant is predicted to result in the amino acid substitution p.Ile5Thr. To our knowledge, this variant has not been reported in the literature. This variant is reported in 0.0054% of alleles in individuals of European (non-Finnish) descent in gnomAD. At this time, the clinical significance of this variant is uncertain due to the absence of conclusive functional and genetic evidence.

Women's Health and Genetics/Laboratory Corporation of America, LabCorp
Classification: Uncertain significance. Last evaluated: 2026-01-23. Review status: criteria provided, single submitter. Criteria: LabCorp Variant Classification Summary - May 2015. Collection method: clinical testing. Allele origin: germline.

Ambry Genetics
Classification: Uncertain significance for Cardiovascular phenotype. Last evaluated: 2025-11-02. Review status: criteria provided, single submitter. Criteria: Ambry Variant Classification Scheme 2023. Collection method: clinical testing. Allele origin: germline.
Comment: The p.I5T variant (also known as c.14T>C), located in coding exon 1 of the SCN10A gene, results from a T to C substitution at nucleotide position 14. The isoleucine at codon 5 is replaced by threonine, an amino acid with similar properties. This amino acid position is poorly conserved in available vertebrate species. In addition, this alteration is predicted to be tolerated by in silico analysis. The evidence for this gene-disease relationship is limited; therefore, the clinical significance of this alteration is unclear.

Labcorp Genetics (formerly Invitae), Labcorp
Classification: Uncertain significance for Brugada syndrome. Last evaluated: 2024-11-28. Review status: criteria provided, single submitter. Criteria: Invitae Variant Classification Sherloc (09022015). Collection method: clinical testing. Allele origin: germline.
Comment: This sequence change replaces isoleucine, which is neutral and non-polar, with threonine, which is neutral and polar, at codon 5 of the SCN10A protein (p.Ile5Thr). This variant is present in population databases (rs557317287, gnomAD 0.004%). This variant has not been reported in the literature in individuals affected with SCN10A-related conditions. ClinVar contains an entry for this variant (Variation ID: 1353406). Invitae Evidence Modeling of protein sequence and biophysical properties (such as structural, functional, and spatial information, amino acid conservation, physicochemical variation, residue mobility, and thermodynamic stability) indicates that this missense variant is not expected to disrupt SCN10A protein function with a negative predictive value of 80%. In summary, the available evidence is currently insufficient to determine the role of this variant in disease. Therefore, it has been classified as a Variant of Uncertain Significance.

NM_006514.4(SCN10A):c.14T>C (p.Ile5Thr)

Gene: SCN10A (sodium voltage-gated channel alpha subunit 10; minus strand). Cytogenetic location: 3p22.2.
Variant type: single nucleotide variant.
Coding change: c.14T>C on transcript NM_006514.4 (MANE Select); coding-DNA position 14, T replaced by C.
Protein change: p.Ile5Thr; replaces isoleucine 5 with threonine.
Molecular consequence: missense variant.
Genome position (GRCh38, 1-based): chr3:38,793,997, A>G on the plus strand (T>C on the coding strand, the complement: SCN10A is on the minus strand). VCF-style: chr3-38793997-A-G. GRCh37 (hg19) VCF-style: chr3-38835488-A-G.
Other names: c.14T>C, p.Ile5Thr (NM_001293306.2, NM_001293307.2); c.14T>C (NM_006514.3); short protein forms I5T.
Identifiers: ClinVar variation 1353406 (VCV001353406.13), dbSNP rs557317287, ClinGen allele CA2321321.